The following is an entry in ClinVar:

NM_030653.4(DDX11):c.409A>G (p.Arg137Gly)

Gene: DDX11 (DEAD/H-box helicase 11; plus strand). Cytogenetic location: 12p11.21.
Variant type: single nucleotide variant.
Coding change: c.409A>G on transcript NM_030653.4 (MANE Select); coding-DNA position 409, A replaced by G.
Protein change: p.Arg137Gly; replaces arginine 137 with glycine.
Molecular consequence: missense variant. On other transcripts: 5 prime UTR variant (5), non-coding transcript variant (4), intron variant (1).
Genome position (GRCh38, 1-based): chr12:31,084,598, A>G. VCF-style: chr12-31084598-A-G. GRCh37 (hg19) VCF-style: chr12-31237532-A-G.
Other names: c.409A>G, p.Arg137Gly (NM_001257144.2, NM_001413692.1, NM_001413693.1 and 5 more transcripts); c.331A>G, p.Arg111Gly (NM_001257145.2, NM_001413697.1, NM_001413698.1 and 1 more transcripts); c.-120A>G (NM_001413702.1, NM_001413703.1); c.-652A>G (NM_001413704.1, NM_001413705.1); c.-470A>G (NM_001413706.1); c.394-371A>G (NM_001413700.1); short protein forms R111G, R137G.
Identifiers: ClinVar variation 3254979 (VCV003254979.2), dbSNP rs537666944.
Genomic context (GRCh38, chr12:31,084,598, plus strand): 5'-TTTTGGGCTTCCTTGGTGATTTTCCTTCATGTCTGCCTCCTGTAGGCGGAGCAGGCCAGG[A>G]GGAAGCAGCGAGAAGAACGCCTGCAGCAGCTGCAGCACAGGGTGCAGCTCAAGTATGCAG-3'
Protein context (NP_085911.2, residues 127-147): VDRLKAEQAR[Arg137Gly]KQREERLQQL

ClinVar aggregate classification (germline): Uncertain significance (1 of 4 stars; one submission).

Conditions:
Warsaw breakage syndrome (WABS). Also called: DDX11-Related Cohesinopathy. Identifiers: Orphanet 280558, MedGen C3150658, MONDO:0013252, OMIM 613398.

Allele frequency attached by ClinVar (database versions not stated): gnomAD 0.00010; gnomAD exomes 0.00010; ExAC 0.00076; 1000 Genomes Project 30x 0.00125; 1000 Genomes Project 0.00140; TOPMed 0.00002.
gnomAD v4.1: 150 of 1,598,642 alleles (0.0094%); highest among the groups gnomAD compares: South Asian, 0.16%; 2 homozygotes.

Submission:

Victorian Clinical Genetics Services, Murdoch Childrens Research Institute
Classification: Uncertain significance for Warsaw breakage syndrome. Last evaluated: 2024-09-20. Review status: criteria provided, single submitter. Criteria: ACMG Guidelines, 2015. Collection method: clinical testing. Allele origin: germline. Inheritance: Autosomal recessive inheritance. Affected: yes.
Comment: Based on the classification scheme VCGS_Germline_v1.3.4, this variant is classified as VUS-3B. Following criteria are met: 0102 - Loss of function is a known mechanism of disease in this gene and is associated with Warsaw breakage syndrome (MIM#613398). (I) 0106 - This gene is associated with autosomal recessive disease. (I) 0200 - Variant is predicted to result in a missense amino acid change from arginine to glycine. (I) 0251 - This variant is heterozygous. (I) 0304 - Variant is present in gnomAD (v2) <0.01 for a recessive condition (58 heterozygotes, 0 homozygotes). (SP) 0501 - Missense variant highly conserved with a major amino acid change. (SP) 0604 - Variant is not located in an established domain, motif, hotspot or informative constraint region. (I) 0705 - No comparable missense variants have previous evidence for pathogenicity. (I) 0807 - This variant has no previous evidence of pathogenicity. (I) 0905 - No published segregation evidence has been identified for this variant. (I) 1007 - No published functional evidence has been identified for this variant. (I) 1208 - Inheritance information for this variant is not currently available in this individual. (I) Legend: (SP) - Supporting pathogenic, (I) - Information, (SB) - Supporting benign